The following is an entry in ClinVar:

ClinVar aggregate classification (germline): Uncertain significance (1 of 4 stars; one submission).

Conditions:
Generalized epilepsy with febrile seizures plus, type 7 (GEFSP7). Also called: GEFS+, TYPE 7. Identifiers: Orphanet 36387, MedGen C2751778, MONDO:0013470, OMIM 613863.
Neuropathy, hereditary sensory and autonomic, type 2A (HSAN2A). Also called: MORVAN DISEASE; NEUROPATHY, CONGENITAL SENSORY; NEUROPATHY, HEREDITARY SENSORY RADICULAR, AUTOSOMAL RECESSIVE; NEUROPATHY, HEREDITARY SENSORY, TYPE IIA; NEUROPATHY, PROGRESSIVE SENSORY, OF CHILDREN; HSAN IIA. Identifiers: Orphanet 970, MedGen C2752089, MONDO:0024309, OMIM 201300.

Submission:

Labcorp Genetics (formerly Invitae), Labcorp
Classification: Uncertain significance for Neuropathy, hereditary sensory and autonomic, type 2A; Generalized epilepsy with febrile seizures plus, type 7. Last evaluated: 2023-03-15. Review status: criteria provided, single submitter. Criteria: Invitae Variant Classification Sherloc (09022015). Collection method: clinical testing. Allele origin: germline.
Comment: In summary, the available evidence is currently insufficient to determine the role of this variant in disease. Therefore, it has been classified as a Variant of Uncertain Significance. Experimental studies and prediction algorithms are not available or were not evaluated, and the functional significance of this variant is currently unknown. This variant has not been reported in the literature in individuals affected with SCN9A-related conditions. This variant is a gross deletion of the genomic region encompassing exon(s) 17 of the SCN9A gene. This variant would be expected to be in-frame, preserving the integrity of the reading frame.

NC_000002.11:g.(?_167128889)_(167129405_?)del

Gene: SCN9A (sodium voltage-gated channel alpha subunit 9; minus strand). Cytogenetic location: 2q24.3.
Variant type: Deletion.
Identifiers: ClinVar variation 2424580 (VCV002424580.2).